The following is an entry in ClinVar:

ClinVar aggregate classification (germline): Uncertain significance (1 of 4 stars; one submission).

Conditions:
KIDINS220-related disorder. Also called: KIDINS220-related condition.

Submission:

PreventionGenetics, part of Exact Sciences
Classification: Uncertain significance for KIDINS220-related condition. Last evaluated: 2024-12-05. Review status: criteria provided, single submitter. Criteria: ACMG Guidelines, 2015. Collection method: clinical testing. Allele origin: germline.
Comment: The KIDINS220 c.4535G>T variant is predicted to result in the amino acid substitution p.Ser1512Ile. To our knowledge, this variant has not been reported in the literature or in a large population database (gnomAD), indicating this variant is rare. At this time, the clinical significance of this variant is uncertain due to the absence of conclusive functional and genetic evidence.

NM_020738.4(KIDINS220):c.4535G>T (p.Ser1512Ile)

Gene: KIDINS220 (kinase D interacting substrate 220; minus strand). Cytogenetic location: 2p25.1.
Variant type: single nucleotide variant.
Coding change: c.4535G>T on transcript NM_020738.4 (MANE Select); coding-DNA position 4535, G replaced by T.
Protein change: p.Ser1512Ile; replaces serine 1512 with isoleucine.
Molecular consequence: missense variant. On other transcripts: intron variant (6).
Genome position (GRCh38, 1-based): chr2:8,731,501, C>A on the plus strand (G>T on the coding strand, the complement: KIDINS220 is on the minus strand). VCF-style: chr2-8731501-C-A. GRCh37 (hg19) VCF-style: chr2-8871631-C-A.
Other names: c.4538G>T, p.Ser1513Ile (NM_001348729.2); c.4481G>T, p.Ser1494Ile (NM_001348731.2); c.4478G>T, p.Ser1493Ile (NM_001348732.2); c.4367G>T, p.Ser1456Ile (NM_001348734.2); c.4364G>T, p.Ser1455Ile (NM_001348735.2); c.4238G>T, p.Ser1413Ile (NM_001348736.2); c.3882+1943G>T (NM_001348741.2, NM_001348742.2, NM_001348743.2); c.3996+1943G>T (NM_001348738.2); and 1 more; short protein forms S1512I, S1456I, S1494I, S1513I, S1413I, S1455I, S1493I.
Identifiers: ClinVar variation 4983942 (VCV004983942.1).
Genomic context (GRCh38, chr2:8,731,501, plus strand): 5'-TCTGATTCTTCTGTGCCAGATTCATCCTCGTCACTTGGGAGTTTTTGATAGCGCAGCCCA[C>A]TTCCCTTAAGCTTCAAATCTGTCTGGAAGAGGCTTGACCTTTCGGAAGATTTCTTGCCTG-3'
Protein context (NP_065789.1, residues 1502-1522): LFQTDLKLKG[Ser1512Ile]GLRYQKLPSD